The following is an entry in ClinVar:

NM_003982.4(SLC7A7):c.746C>T (p.Thr249Ile)

Gene: SLC7A7 (solute carrier family 7 member 7; minus strand). Cytogenetic location: 14q11.2.
Variant type: single nucleotide variant.
Coding change: c.746C>T on transcript NM_003982.4 (MANE Select); coding-DNA position 746, C replaced by T.
Protein change: p.Thr249Ile; replaces threonine 249 with isoleucine.
Molecular consequence: missense variant.
Genome position (GRCh38, 1-based): chr14:22,778,817, G>A on the plus strand (C>T on the coding strand, the complement: SLC7A7 is on the minus strand). VCF-style: chr14-22778817-G-A. GRCh37 (hg19) VCF-style: chr14-23248026-G-A.
Other names: c.746C>T, p.Thr249Ile (NM_001126105.3, NM_001126106.4); short protein forms T249I.
Identifiers: ClinVar variation 1515920 (VCV001515920.8), dbSNP rs2139394765, ClinGen allele CA388923923.

ClinVar aggregate classification (germline): Uncertain significance (1 of 4 stars; one submission).

Conditions:
Lysinuric protein intolerance (LPI). Identifiers: Orphanet 470, MedGen C0268647, MONDO:0009109, OMIM 222700.

Submission:

Labcorp Genetics (formerly Invitae), Labcorp
Classification: Uncertain significance for Lysinuric protein intolerance. Last evaluated: 2022-08-16. Review status: criteria provided, single submitter. Criteria: Invitae Variant Classification Sherloc (09022015). Collection method: clinical testing. Allele origin: germline.
Comment: In summary, the available evidence is currently insufficient to determine the role of this variant in disease. Therefore, it has been classified as a Variant of Uncertain Significance. Algorithms developed to predict the effect of missense changes on protein structure and function (SIFT, PolyPhen-2, Align-GVGD) all suggest that this variant is likely to be disruptive. ClinVar contains an entry for this variant (Variation ID: 1515920). This variant has not been reported in the literature in individuals affected with SLC7A7-related conditions. This variant is not present in population databases (gnomAD no frequency). This sequence change replaces threonine, which is neutral and polar, with isoleucine, which is neutral and non-polar, at codon 249 of the SLC7A7 protein (p.Thr249Ile).